The following is an entry in ClinVar:

ClinVar aggregate classification (germline): Likely benign. Review status: criteria provided, multiple submitters, no conflicts (2 of 4 stars). 2 submissions from 2 submitters: Likely benign (2). Last evaluated 2025-10-22.

Conditions:
Nemaline myopathy 2 (NEM2). Also called: Nemaline myopathy 2, autosomal recessive. Identifiers: MedGen C1850569, MONDO:0009725, OMIM 256030.

Allele frequency attached by ClinVar (database versions not stated): ExAC 0.00001; gnomAD 0.00001; gnomAD exomes 0.00001; TOPMed 0.00002.
gnomAD v4.1: 9 of 1,613,832 alleles (0.00056%); highest among the groups gnomAD compares: Middle Eastern, 0.016%; no homozygotes.

Submissions (2):

Labcorp Genetics (formerly Invitae), Labcorp
Classification: Likely benign for Nemaline myopathy 2. Last evaluated: 2025-10-22. Review status: criteria provided, single submitter. Criteria: Invitae Variant Classification Sherloc (09022015). Collection method: clinical testing. Allele origin: germline.

CeGaT Center for Human Genetics Tuebingen
Classification: Likely benign. Last evaluated: 2022-10-01. Review status: criteria provided, single submitter. Criteria: CeGaT Center For Human Genetics Tuebingen Variant Classification Criteria Version 2. Collection method: clinical testing. Allele origin: germline. Affected: yes. Observed: 1 variant allele.
Comment: NEB: BP4, BP7

NM_001164508.2(NEB):c.22104A>T (p.Thr7368=)

Genes: NEB (nebulin; minus strand), RIF1 (replication timing regulatory factor 1; plus strand). Cytogenetic location: 2q23.3.
Variant type: single nucleotide variant.
Coding change: c.22104A>T on transcript NM_001164508.2 (MANE Select); coding-DNA position 22104, A replaced by T.
Protein change: p.Thr7368=; no amino-acid change (threonine 7368 retained).
Molecular consequence: synonymous variant.
Genome position (GRCh38, 1-based): chr2:151,526,015, T>A on the plus strand (A>T on the coding strand, the complement: NEB is on the minus strand). VCF-style: chr2-151526015-T-A. GRCh37 (hg19) VCF-style: chr2-152382529-T-A.
Other names: c.22104A>T, p.Thr7368= (NM_001164507.2); c.22209A>T, p.Thr7403= (NM_001271208.2); c.17001A>T, p.Thr5667= (NM_004543.5).
Identifiers: ClinVar variation 733042 (VCV000733042.34), dbSNP rs756011050, ClinGen allele CA1906774.
Genomic context (GRCh38, chr2:151,526,015, plus strand): 5'-TACATCACTGACATGCTTGGTCACTTCCTTGACGTGAACAGTGTCCCGGGTCTCTGGTAG[T>A]GTTGTGTATGAGCCCTGTGCCAAGTGCTTCTTGACATGGTCCTTGTACTTGTTCTGGGGG-3'
Protein context (NP_001157980.2, residues 7358-7378): KKHLAQGSYT[Thr7368=]LPETRDTVHV